The following is an entry in ClinVar:

NM_004260.4(RECQL4):c.3260C>T (p.Pro1087Leu)

Gene: RECQL4 (RecQ like helicase 4; minus strand). Cytogenetic location: 8q24.3.
Variant type: single nucleotide variant.
Coding change: c.3260C>T on transcript NM_004260.4 (MANE Select); coding-DNA position 3260, C replaced by T.
Protein change: p.Pro1087Leu; replaces proline 1087 with leucine.
Molecular consequence: missense variant. On other transcripts: non-coding transcript variant (3).
Genome position (GRCh38, 1-based): chr8:144,512,044, G>A on the plus strand (C>T on the coding strand, the complement: RECQL4 is on the minus strand). VCF-style: chr8-144512044-G-A. GRCh37 (hg19) VCF-style: chr8-145737427-G-A.
Other names: c.2966C>T, p.Pro989Leu (NM_001413017.1); c.3062C>T, p.Pro1021Leu (NM_001413018.1); c.3335C>T, p.Pro1112Leu (NM_001413019.1); c.3164C>T, p.Pro1055Leu (NM_001413020.1); c.2189C>T, p.Pro730Leu (NM_001413021.1, NM_001413022.1, NM_001413024.1 and 4 more transcripts); c.2264C>T, p.Pro755Leu (NM_001413023.1); c.3131C>T, p.Pro1044Leu (NM_001413025.1); c.2123C>T, p.Pro708Leu (NM_001413027.1, NM_001413030.1, NM_001413032.1); and 9 more; short protein forms P1043L, P1055L, P730L, P755L, P1044L, P1087L, P1112L, P598L.
Identifiers: ClinVar variation 4628925 (VCV004628925.1).
Genomic context (GRCh38, chr8:144,512,044, plus strand): 5'-TAGCGGCCGAGCAGGTCCTTGAGCCTGGTGCTGCGCTCCTCATCCTGCTGCTCCAGGCAG[G>A]GCCCGCAGCTGGGGAAGGCTACGCTGTGGGGAGGAGCCTGTCAGAGCTGATCACTGCGGG-3'
Protein context (NP_004251.4, residues 1077-1097): FHSVAFPSCG[Pro1087Leu]CLEQQDEERS

ClinVar aggregate classification (germline): Uncertain significance (1 of 4 stars; one submission).

Conditions:
Inborn genetic diseases. Identifiers: MedGen C0950123, MeSH D030342.

Submission:

Ambry Genetics
Classification: Uncertain significance for Inborn genetic diseases. Last evaluated: 2025-09-20. Review status: criteria provided, single submitter. Criteria: Ambry Variant Classification Scheme 2023. Collection method: clinical testing. Allele origin: germline.
Comment: The p.P1087L variant (also known as c.3260C>T), located in coding exon 19 of the RECQL4 gene, results from a C to T substitution at nucleotide position 3260. The proline at codon 1087 is replaced by leucine, an amino acid with similar properties. This amino acid position is conserved. In addition, this alteration is predicted to be tolerated by in silico analysis. Based on the available evidence, the clinical significance of this variant remains unclear.